The following is an entry in ClinVar:

NM_182961.4(SYNE1):c.22904C>T (p.Ala7635Val)

Gene: SYNE1 (spectrin repeat containing nuclear envelope protein 1; minus strand). Cytogenetic location: 6q25.2.
Variant type: single nucleotide variant.
Coding change: c.22904C>T on transcript NM_182961.4 (MANE Select); coding-DNA position 22904, C replaced by T.
Protein change: p.Ala7635Val; replaces alanine 7635 with valine.
Molecular consequence: missense variant.
Genome position (GRCh38, 1-based): chr6:152,206,283, G>A on the plus strand (C>T on the coding strand, the complement: SYNE1 is on the minus strand). VCF-style: chr6-152206283-G-A. GRCh37 (hg19) VCF-style: chr6-152527418-G-A.
Other names: c.22691C>T, p.Ala7564Val (NM_033071.5); short protein forms A7564V, A7635V.
Identifiers: ClinVar variation 950685 (VCV000950685.11), dbSNP rs555792275, ClinGen allele CA4053761.
Genomic context (GRCh38, chr6:152,206,283, plus strand): 5'-TTCCATTTCTCTTGGATTTCAGCGAGTTCGGCCTGCAAGGCGGCCTCAGCGCCACTGTCC[G>A]CCGAGAGAAGGAGTTGCTTGCCAGCCTCCACAGTCAGGATGTAGCTGCCTTGTTGCCGCA-3'
Protein context (NP_892006.3, residues 7625-7645): VEAGKQLLLS[Ala7635Val]DSGAEAALQA

ClinVar aggregate classification (germline): Uncertain significance. Review status: criteria provided, multiple submitters, no conflicts (2 of 4 stars). 2 submissions from 2 submitters: Uncertain significance (2). Last evaluated 2025-11-10.

Conditions:
Autosomal recessive ataxia, Beauce type. Also called: Spinocerebellar ataxia, autosomal recessive 8; ATAXIA, RECESSIVE, OF BEAUCE; SYNE1-Related Autosomal Recessive Cerebellar Ataxia; SYNE1 Deficiency. Identifiers: Orphanet 88644, MedGen C1853116, MONDO:0012549, OMIM 610743.
Emery-Dreifuss muscular dystrophy 4, autosomal dominant (EDMD4). Also called: EMERY-DREIFUSS MUSCULAR DYSTROPHY 4 WITH VARIABLE FEATURES. Identifiers: Orphanet 261, MedGen C2751807, MONDO:0013071, OMIM 612998.

Allele frequency attached by ClinVar (database versions not stated): TOPMed 0.00001; 1000 Genomes Project 30x 0.00031; 1000 Genomes Project 0.00040.
gnomAD v4.1: 52 of 1,613,916 alleles (0.0032%); highest among the groups gnomAD compares: South Asian, 0.022%; no homozygotes.

Submissions (2):

Labcorp Genetics (formerly Invitae), Labcorp
Classification: Uncertain significance for Emery-Dreifuss muscular dystrophy 4, autosomal dominant; Autosomal recessive ataxia, Beauce type. Last evaluated: 2025-11-10. Review status: criteria provided, single submitter. Criteria: Invitae Variant Classification Sherloc (09022015). Collection method: clinical testing. Allele origin: germline.
Comment: This sequence change replaces alanine, which is neutral and non-polar, with valine, which is neutral and non-polar, at codon 7564 of the SYNE1 protein (p.Ala7564Val). This variant is present in population databases (rs555792275, gnomAD 0.01%). This variant has not been reported in the literature in individuals affected with SYNE1-related conditions. ClinVar contains an entry for this variant (Variation ID: 950685). An algorithm developed to predict the effect of missense changes on protein structure and function (PolyPhen-2) suggests that this variant is likely to be disruptive. In summary, the available evidence is currently insufficient to determine the role of this variant in disease. Therefore, it has been classified as a Variant of Uncertain Significance.

Revvity Omics, Revvity
Classification: Uncertain significance. Last evaluated: 2021-07-14. Review status: criteria provided, single submitter. Criteria: ACMG Guidelines, 2015. Collection method: clinical testing. Allele origin: germline.